The following is an entry in ClinVar:

NM_007118.4(TRIO):c.8309C>T (p.Ser2770Leu)

Genes: TRIO (trio Rho guanine nucleotide exchange factor; plus strand), LOC126807323 (CDK7 strongly-dependent group 2 enhancer GRCh37_chr5:14497716-14498915; plus strand). Cytogenetic location: 5p15.2.
Variant type: single nucleotide variant.
Coding change: c.8309C>T on transcript NM_007118.4 (MANE Select); coding-DNA position 8309, C replaced by T.
Protein change: p.Ser2770Leu; replaces serine 2770 with leucine.
Molecular consequence: missense variant. On other transcripts: non-coding transcript variant (1).
Genome position (GRCh38, 1-based): chr5:14,498,617, C>T. VCF-style: chr5-14498617-C-T. GRCh37 (hg19) VCF-style: chr5-14498726-C-T.
Other names: short protein forms S2770L.
Identifiers: ClinVar variation 1328709 (VCV001328709.2), dbSNP rs750455503, ClinGen allele CA3207819.
Genomic context (GRCh38, chr5:14,498,617, plus strand): 5'-CCACGGAAGATGACGGCATCTACACGTGCATCGCTGTCAATGACATGGGTTCAGCCTCAT[C>T]GTCGGCCAGCCTGAGGGTCCTAGGTAAGCACCGTGCAACGAGGATTCTACGTGACCCAGT-3'
Protein context (NP_009049.2, residues 2760-2780): IAVNDMGSAS[Ser2770Leu]SASLRVLGPG

ClinVar aggregate classification (germline): Uncertain significance (1 of 4 stars; one submission).

Allele frequency attached by ClinVar (database versions not stated): gnomAD exomes 0.00002; TOPMed 0.00002; ExAC 0.00004.
gnomAD v4.1: 21 of 1,613,998 alleles (0.0013%); highest among the groups gnomAD compares: Middle Eastern, 0.016%; no homozygotes.

Submission:

GeneDx
Classification: Uncertain significance. Last evaluated: 2021-11-30. Review status: criteria provided, single submitter. Criteria: GeneDx Variant Classification Process June 2021. Collection method: clinical testing. Allele origin: germline. Affected: yes.
Comment: In silico analysis supports that this missense variant has a deleterious effect on protein structure/function; Has not been previously published as pathogenic or benign to our knowledge